The following is an entry in ClinVar:

ClinVar aggregate classification (germline): Uncertain significance. Review status: criteria provided, single submitter (1 of 4 stars). 2 submissions from 2 submitters: Uncertain significance (1). 1 of the submissions does not count toward it. Last evaluated 2024-11-15.

Conditions:
NRP2-related disorder. Also called: NRP2-related condition.

Submissions (2):

Ambry Genetics
Classification: Uncertain significance. Last evaluated: 2024-11-15. Review status: criteria provided, single submitter. Criteria: Ambry Variant Classification Scheme 2023. Collection method: clinical testing. Allele origin: germline.

PreventionGenetics, part of Exact Sciences
Classification: Uncertain significance for NRP2-related condition. Last evaluated: 2024-02-14. Review status: no assertion criteria provided. Collection method: clinical testing. Allele origin: germline. Not counted in ClinVar's aggregate classification.
Comment: The NRP2 c.1613T>C variant is predicted to result in the amino acid substitution p.Ile538Thr. To our knowledge, this variant has not been reported in the literature or in a large population database, indicating this variant is rare. At this time, the clinical significance of this variant is uncertain due to the absence of conclusive functional and genetic evidence.

NM_003872.3(NRP2):c.1613T>C (p.Ile538Thr)

Gene: NRP2 (neuropilin 2; plus strand). Cytogenetic location: 2q33.3.
Variant type: single nucleotide variant.
Coding change: c.1613T>C on transcript NM_003872.3 (MANE Select); coding-DNA position 1613, T replaced by C.
Protein change: p.Ile538Thr; replaces isoleucine 538 with threonine.
Molecular consequence: missense variant.
Genome position (GRCh38, 1-based): chr2:205,743,524, T>C. VCF-style: chr2-205743524-T-C. GRCh37 (hg19) VCF-style: chr2-206608248-T-C.
Other names: c.1613T>C, p.Ile538Thr (NM_018534.4, NM_201264.2, NM_201266.2 and 2 more transcripts); short protein forms I538T.
Identifiers: ClinVar variation 3350875 (VCV003350875.2).